The following is an entry in ClinVar:

ClinVar aggregate classification (germline): Uncertain significance. Review status: criteria provided, multiple submitters, no conflicts (2 of 4 stars). 2 submissions from 2 submitters: Uncertain significance (2). Last evaluated 2025-05-02.

Conditions:
Colorectal cancer, hereditary nonpolyposis, type 7. Identifiers: Orphanet 144, MedGen C1858380, MONDO:0013725, OMIM 614385.

Allele frequency attached by ClinVar (database versions not stated): gnomAD 0.00001; TOPMed 0.00002; ESP Exome Variant Server 0.00008.

Submissions (2):

Ambry Genetics
Classification: Uncertain significance. Last evaluated: 2025-05-02. Review status: criteria provided, single submitter. Criteria: Ambry Variant Classification Scheme 2023. Collection method: clinical testing. Allele origin: germline.
Comment: The p.D1146N variant (also known as c.3436G>A), located in coding exon 3 of the MLH3 gene, results from a G to A substitution at nucleotide position 3436. The aspartic acid at codon 1146 is replaced by asparagine, an amino acid with highly similar properties. This amino acid position is conserved. In addition, this alteration is predicted to be tolerated by in silico analysis. Since supporting evidence is limited at this time, the clinical significance of this alteration remains unclear.

Labcorp Genetics (formerly Invitae), Labcorp
Classification: Uncertain significance for Colorectal cancer, hereditary nonpolyposis, type 7. Last evaluated: 2024-12-21. Review status: criteria provided, single submitter. Criteria: Invitae Variant Classification Sherloc (09022015). Collection method: clinical testing. Allele origin: germline.
Comment: This sequence change replaces aspartic acid, which is acidic and polar, with asparagine, which is neutral and polar, at codon 1146 of the MLH3 protein (p.Asp1146Asn). This variant is present in population databases (rs368314779, gnomAD 0.01%). This variant has not been reported in the literature in individuals affected with MLH3-related conditions. ClinVar contains an entry for this variant (Variation ID: 1731415). An algorithm developed to predict the effect of missense changes on protein structure and function outputs the following: PolyPhen-2: "Benign". The asparagine amino acid residue is found in multiple mammalian species, which suggests that this missense change does not adversely affect protein function. In summary, the available evidence is currently insufficient to determine the role of this variant in disease. Therefore, it has been classified as a Variant of Uncertain Significance.

NM_001040108.2(MLH3):c.3436G>A (p.Asp1146Asn)

Gene: MLH3 (mutL homolog 3; minus strand). Cytogenetic location: 14q24.3.
Variant type: single nucleotide variant.
Coding change: c.3436G>A on transcript NM_001040108.2 (MANE Select); coding-DNA position 3436, G replaced by A.
Protein change: p.Asp1146Asn; replaces aspartic acid 1146 with asparagine.
Molecular consequence: missense variant.
Genome position (GRCh38, 1-based): chr14:75,041,644, C>T on the plus strand (G>A on the coding strand, the complement: MLH3 is on the minus strand). VCF-style: chr14-75041644-C-T. GRCh37 (hg19) VCF-style: chr14-75508347-C-T.
Other names: c.3436G>A, p.Asp1146Asn (NM_014381.3); short protein forms D1146N.
Identifiers: ClinVar variation 1731415 (VCV001731415.5), dbSNP rs368314779, ClinGen allele CA263645833.
Genomic context (GRCh38, chr14:75,041,644, plus strand): 5'-AAAAGGCAAAGAAAAACTGCTACAGACCCACCTCTGGATAACGGGCAAATACTGGATTGT[C>T]CCATTCTGAGAACAAAGACTGAAGCGATTCGCTACTAACAGTATCATCCACAGTATCTAG-3'
Protein context (NP_001035197.1, residues 1136-1156): ESLQSLFSEW[Asp1146Asn]NPVFARYPEV